The following is an entry in ClinVar:

NM_001103.4(ACTN2):c.191A>G (p.Glu64Gly)

Gene: ACTN2 (actinin alpha 2; plus strand). Cytogenetic location: 1q43.
Variant type: single nucleotide variant.
Coding change: c.191A>G on transcript NM_001103.4 (MANE Select); coding-DNA position 191, A replaced by G.
Protein change: p.Glu64Gly; replaces glutamic acid 64 with glycine.
Molecular consequence: missense variant. On other transcripts: 5 prime UTR variant (1).
Genome position (GRCh38, 1-based): chr1:236,717,922, A>G. VCF-style: chr1-236717922-A-G. GRCh37 (hg19) VCF-style: chr1-236881222-A-G.
Other names: c.191A>G, p.Glu64Gly (NM_001278343.2); c.-631A>G (NM_001278344.2); c.-756A>G (NM_001412150.1); short protein forms E64G.
Identifiers: ClinVar variation 1782627 (VCV001782627.2), dbSNP rs2527534797, ClinGen allele CA345373318.
Genomic context (GRCh38, chr1:236,717,922, plus strand): 5'-TCACTGCCTGGTGTAACTCCCACCTAAGGAAAGCCGGCACCCAGATTGAGAACATCGAGG[A>G]AGACTTCAGGAATGGCCTTAAGCTCATGCTGCTTTTGGAAGTCATCTCAGGTTGGTGTTA-3'
Protein context (NP_001094.1, residues 54-74): KAGTQIENIE[Glu64Gly]DFRNGLKLML

ClinVar aggregate classification (germline): Uncertain significance (1 of 4 stars; one submission).

Conditions:
Cardiovascular phenotype. Identifiers: MedGen CN230736.

Submission:

Ambry Genetics
Classification: Uncertain significance for Cardiovascular phenotype. Last evaluated: 2020-06-09. Review status: criteria provided, single submitter. Criteria: Ambry Variant Classification Scheme 2023. Collection method: clinical testing. Allele origin: germline.
Comment: The p.E64G variant (also known as c.191A>G), located in coding exon 2 of the ACTN2 gene, results from an A to G substitution at nucleotide position 191. The glutamic acid at codon 64 is replaced by glycine, an amino acid with similar properties. This amino acid position is highly conserved in available vertebrate species. In addition, this alteration is predicted to be deleterious by in silico analysis. Since supporting evidence is limited at this time, the clinical significance of this alteration remains unclear.